The following is an entry in ClinVar:

NM_001025295.3(IFITM5):c.263T>C (p.Leu88Pro)

Gene: IFITM5 (interferon induced transmembrane protein 5; minus strand). Cytogenetic location: 11p15.5.
Variant type: single nucleotide variant.
Coding change: c.263T>C on transcript NM_001025295.3 (MANE Select); coding-DNA position 263, T replaced by C.
Protein change: p.Leu88Pro; replaces leucine 88 with proline.
Molecular consequence: missense variant.
Genome position (GRCh38, 1-based): chr11:298,637, A>G on the plus strand (T>C on the coding strand, the complement: IFITM5 is on the minus strand). VCF-style: chr11-298637-A-G. GRCh37 (hg19) VCF-style: chr11-298637-A-G.
Other names: short protein forms L88P.
Identifiers: ClinVar variation 2852899 (VCV002852899.3), dbSNP rs1845892635, ClinGen allele CA378890163.

ClinVar aggregate classification (germline): Uncertain significance (1 of 4 stars; one submission).

Allele frequency attached by ClinVar (database versions not stated): gnomAD exomes 0.00001.
gnomAD v4.1: 9 of 1,613,640 alleles (0.00056%); highest among the groups gnomAD compares: African/African-American, 0.0013%; no homozygotes.

Submission:

Labcorp Genetics (formerly Invitae), Labcorp
Classification: Uncertain significance. Last evaluated: 2023-10-22. Review status: criteria provided, single submitter. Criteria: Invitae Variant Classification Sherloc (09022015). Collection method: clinical testing. Allele origin: germline.
Comment: This sequence change replaces leucine, which is neutral and non-polar, with proline, which is neutral and non-polar, at codon 88 of the IFITM5 protein (p.Leu88Pro). This variant is not present in population databases (gnomAD no frequency). This variant has not been reported in the literature in individuals affected with IFITM5-related conditions. An algorithm developed to predict the effect of missense changes on protein structure and function (PolyPhen-2) suggests that this variant is likely to be disruptive. In summary, the available evidence is currently insufficient to determine the role of this variant in disease. Therefore, it has been classified as a Variant of Uncertain Significance.